The following is an entry in ClinVar:

NM_000092.5(COL4A4):c.3878_3881dup (p.Cys1294Ter)

Gene: COL4A4 (collagen type IV alpha 4 chain; minus strand). Cytogenetic location: 2q36.3.
Variant type: Duplication.
Coding change: c.3878_3881dup on transcript NM_000092.5 (MANE Select); coding-DNA positions 3878 to 3881, 4 bases duplicated (ACTG; older notation c.3878_3881dupACTG).
Protein change: p.Cys1294Ter; replaces cysteine 1294 with a stop codon.
Molecular consequence: nonsense.
Genome position (GRCh38, 1-based): chr2:227,030,535-227,030,538, CAGT duplicated on the plus strand (ACTG on the coding strand, the reverse complement: COL4A4 is on the minus strand); duplicating any 4 consecutive bases within chr2:227,030,535-227,030,540 gives the same sequence; the c. name uses the placement nearest the transcript's 3' end. VCF-style (leftmost placement, unchanged base first): chr2-227030534-A-ACAGT. GRCh37 (hg19) VCF-style: chr2-227895250-A-ACAGT.
Other names: short protein forms C1294*.
Identifiers: ClinVar variation 1451716 (VCV001451716.6), dbSNP rs2149956892, ClinGen allele CA2573135350.

ClinVar aggregate classification (germline): Pathogenic (1 of 4 stars; one submission).

Submission:

Labcorp Genetics (formerly Invitae), Labcorp
Classification: Pathogenic. Last evaluated: 2021-02-13. Review status: criteria provided, single submitter. Criteria: Invitae Variant Classification Sherloc (09022015). Collection method: clinical testing. Allele origin: germline.
Comment: For these reasons, this variant has been classified as Pathogenic. This variant has not been reported in the literature in individuals with COL4A4-related conditions. This variant is not present in population databases (ExAC no frequency). This sequence change creates a premature translational stop signal (p.Cys1294*) in the COL4A4 gene. It is expected to result in an absent or disrupted protein product. Loss-of-function variants in COL4A4 are known to be pathogenic (PMID: 21196518, 24854265, 25307543).

Literature cited by the submitters: PubMed 21196518; PubMed 24854265; PubMed 25307543.